The following is an entry in ClinVar:

ClinVar aggregate classification (germline): Pathogenic (1 of 4 stars; one submission).

Submission:

GeneDx
Classification: Pathogenic. Last evaluated: 2017-08-01. Review status: criteria provided, single submitter. Criteria: GeneDx Variant Classification (06012015). Collection method: clinical testing. Allele origin: germline. Affected: yes.
Comment: The Q691X nonsense pathogenic variant in the CREBBP gene is predicted to cause loss of normal protein function either through protein truncation or nonsense-mediated mRNA decay. Although this variant has not been previously reported to our knowledge, its presence is consistent with a diagnosis of Rubinstein-Taybi syndrome.

NM_004380.3(CREBBP):c.2071C>T (p.Gln691Ter)

Gene: CREBBP (CREB binding protein; minus strand). Cytogenetic location: 16p13.3.
Variant type: single nucleotide variant.
Coding change: c.2071C>T on transcript NM_004380.3 (MANE Select); coding-DNA position 2071, C replaced by T.
Protein change: p.Gln691Ter; replaces glutamine 691 with a stop codon.
Molecular consequence: nonsense.
Genome position (GRCh38, 1-based): chr16:3,778,053, G>A on the plus strand (C>T on the coding strand, the complement: CREBBP is on the minus strand). VCF-style: chr16-3778053-G-A. GRCh37 (hg19) VCF-style: chr16-3828054-G-A.
Other names: c.1957C>T, p.Gln653Ter (NM_001079846.1); short protein forms Q691*, Q653*.
Identifiers: ClinVar variation 488688 (VCV000488688.2), dbSNP rs1555483689, ClinGen allele CA394554404.